The following is an entry in ClinVar:

ClinVar aggregate classification (germline): Pathogenic (1 of 4 stars; one submission).

Submission:

Labcorp Genetics (formerly Invitae), Labcorp
Classification: Pathogenic. Last evaluated: 2025-02-15. Review status: criteria provided, single submitter. Criteria: Invitae Variant Classification Sherloc (09022015). Collection method: clinical testing. Allele origin: germline.
Comment: This sequence change creates a premature translational stop signal (p.Leu136Trpfs*12) in the RGS9 gene. It is expected to result in an absent or disrupted protein product. Loss-of-function variants in RGS9 are known to be pathogenic (PMID: 11262419, 14702087). This variant is present in population databases (no rsID available, gnomAD 0.007%). This variant has not been reported in the literature in individuals affected with RGS9-related conditions. ClinVar contains an entry for this variant (Variation ID: 1345944). For these reasons, this variant has been classified as Pathogenic.

Literature cited by the submitters: PubMed 11262419; PubMed 14702087.

NM_003835.4(RGS9):c.407del (p.Leu136fs)

Gene: RGS9 (regulator of G protein signaling 9; plus strand). Cytogenetic location: 17q24.1.
Variant type: Deletion.
Coding change: c.407del on transcript NM_003835.4 (MANE Select); coding-DNA position 407, one base deleted (T; older notation c.407delT).
Protein change: p.Leu136fs; shifts the reading frame from leucine 136.
Molecular consequence: frameshift variant.
Genome position (GRCh38, 1-based): chr17:65,160,893, T deleted; the last of 4 consecutive T bases (chr17:65,160,890-65,160,893); deleting any one gives the same sequence. VCF-style (leftmost placement, unchanged base first): chr17-65160889-AT-A. GRCh37 (hg19) VCF-style: chr17-63157007-AT-A.
Other names: c.407del, p.Leu136fs (NM_001081955.3, NM_001165933.2); short protein forms L136fs.
Identifiers: ClinVar variation 1345944 (VCV001345944.6), dbSNP rs1221888867, ClinGen allele CA626907080.